The following is an entry in ClinVar:

ClinVar aggregate classification (germline): Likely benign. Review status: criteria provided, single submitter (1 of 4 stars). 2 submissions from 2 submitters: Likely benign (1). 1 of the submissions does not count toward it. Last evaluated 2025-11-01.

Conditions:
KDM2B-related disorder. Also called: KDM2B-related condition.

Allele frequency attached by ClinVar (database versions not stated): TOPMed below 0.00001; gnomAD 0.00001; 1000 Genomes Project 30x 0.00016; 1000 Genomes Project 0.00020.
gnomAD v4.1: 65 of 1,614,084 alleles (0.004%); highest among the groups gnomAD compares: South Asian, 0.045%; 2 homozygotes.

Submissions (2):

CeGaT Center for Human Genetics Tuebingen
Classification: Likely benign. Last evaluated: 2025-11-01. Review status: criteria provided, single submitter. Criteria: CeGaT Center For Human Genetics Tuebingen Variant Classification Criteria Version 2. Collection method: clinical testing. Allele origin: germline. Affected: yes. Observed: 1 variant allele.
Comment: KDM2B: BP4, BP7

PreventionGenetics, part of Exact Sciences
Classification: Likely benign for KDM2B-related condition. Last evaluated: 2019-06-11. Review status: no assertion criteria provided. Collection method: clinical testing. Allele origin: germline. Not counted in ClinVar's aggregate classification.
Comment: This variant is classified as likely benign based on ACMG/AMP sequence variant interpretation guidelines (Richards et al. 2015 PMID: 25741868, with internal and published modifications).

NM_032590.5(KDM2B):c.2175C>T (p.Ala725=)

Gene: KDM2B (lysine demethylase 2B; minus strand). Cytogenetic location: 12q24.31.
Variant type: single nucleotide variant.
Coding change: c.2175C>T on transcript NM_032590.5 (MANE Select); coding-DNA position 2175, C replaced by T.
Protein change: p.Ala725=; no amino-acid change (alanine 725 retained).
Molecular consequence: synonymous variant.
Genome position (GRCh38, 1-based): chr12:121,444,465, G>A on the plus strand (C>T on the coding strand, the complement: KDM2B is on the minus strand). VCF-style: chr12-121444465-G-A. GRCh37 (hg19) VCF-style: chr12-121882268-G-A.
Other names: c.2082C>T, p.Ala694= (NM_001005366.2).
Identifiers: ClinVar variation 3034319 (VCV003034319.8), dbSNP rs536405714, ClinGen allele CA6836677.